The following is an entry in ClinVar:

ClinVar aggregate classification (germline): Uncertain significance. Review status: criteria provided, multiple submitters, no conflicts (2 of 4 stars). 2 submissions from 2 submitters: Uncertain significance (2). Last evaluated 2025-04-17.

Allele frequency attached by ClinVar (database versions not stated): ExAC 0.00006; gnomAD exomes 0.00007 and 0.00018; gnomAD 0.00011 and 0.00012; TOPMed 0.00013; ESP Exome Variant Server 0.00023.
gnomAD v4.1: 293 of 1,613,734 alleles (0.018%); highest among the groups gnomAD compares: Non-Finnish European, 0.023%; no homozygotes.

Submissions (2):

Labcorp Genetics (formerly Invitae), Labcorp
Classification: Uncertain significance. Last evaluated: 2025-04-17. Review status: criteria provided, single submitter. Criteria: Invitae Variant Classification Sherloc (09022015). Collection method: clinical testing. Allele origin: germline.
Comment: This sequence change replaces glutamic acid, which is acidic and polar, with lysine, which is basic and polar, at codon 275 of the EXOSC2 protein (p.Glu275Lys). This variant is present in population databases (rs146807696, gnomAD 0.01%). This variant has not been reported in the literature in individuals affected with EXOSC2-related conditions. ClinVar contains an entry for this variant (Variation ID: 1014092). An algorithm developed to predict the effect of missense changes on protein structure and function (PolyPhen-2) suggests that this variant is likely to be tolerated. In summary, the available evidence is currently insufficient to determine the role of this variant in disease. Therefore, it has been classified as a Variant of Uncertain Significance.

Ambry Genetics
Classification: Uncertain significance. Last evaluated: 2025-04-10. Review status: criteria provided, single submitter. Criteria: Ambry Variant Classification Scheme 2023. Collection method: clinical testing. Allele origin: germline.

NM_014285.7(EXOSC2):c.823G>A (p.Glu275Lys)

Gene: EXOSC2 (exosome component 2; plus strand). Cytogenetic location: 9q34.12.
Variant type: single nucleotide variant.
Coding change: c.823G>A on transcript NM_014285.7 (MANE Select); coding-DNA position 823, G replaced by A.
Protein change: p.Glu275Lys; replaces glutamic acid 275 with lysine.
Molecular consequence: missense variant. On other transcripts: non-coding transcript variant (1).
Genome position (GRCh38, 1-based): chr9:130,703,715, G>A. VCF-style: chr9-130703715-G-A. GRCh37 (hg19) VCF-style: chr9-133579102-G-A.
Other names: c.745G>A, p.Glu249Lys (NM_001282708.1); c.733G>A, p.Glu245Lys (NM_001282709.1); c.823G>A (NM_014285.5); short protein forms E245K, E249K, E275K.
Identifiers: ClinVar variation 1014092 (VCV001014092.8), dbSNP rs146807696, ClinGen allele CA5284998.
Genomic context (GRCh38, chr9:130,703,715, plus strand): 5'-TGGTTTCTTTTCTGAACAAATGCCTTTTCCCTTTTTCAGATCAAAGACATCTTAAAGCCA[G>A]AAATAATGGAGGAGATTGTGATGGAAACACGCCAGAGGCTTTTGGAACAGGAGGGATAAG-3'
Protein context (NP_055100.2, residues 265-285): PHQIKDILKP[Glu275Lys]IMEEIVMETR